The following is an entry in ClinVar:

NM_001032386.2(SUOX):c.545G>A (p.Arg182His)

Gene: SUOX (sulfite oxidase; plus strand). Cytogenetic location: 12q13.2.
Variant type: single nucleotide variant.
Coding change: c.545G>A on transcript NM_001032386.2 (MANE Select); coding-DNA position 545, G replaced by A.
Protein change: p.Arg182His; replaces arginine 182 with histidine.
Molecular consequence: missense variant.
Genome position (GRCh38, 1-based): chr12:56,003,934, G>A. VCF-style: chr12-56003934-G-A. GRCh37 (hg19) VCF-style: chr12-56397718-G-A.
Other names: p.Arg182His; c.545G>A, p.Arg182His (NM_000456.3, NM_001032387.2); short protein forms R182H.
Identifiers: ClinVar variation 998643 (VCV000998643.30), dbSNP rs1376981593, ClinGen allele CA385284484.
Genomic context (GRCh38, chr12:56,003,934, plus strand): 5'-CTGAAGACAAGGTAGCCCCCACCGTGGAGACCTCTGACCCTTATGCTGATGATCCTGTAC[G>A]TCACCCAGCCCTGAAGGTCAACAGCCAGCGGCCCTTTAATGCAGAGCCTCCCCCTGAGCT-3'
Protein context (NP_001027558.1, residues 172-192): TSDPYADDPV[Arg182His]HPALKVNSQR

ClinVar aggregate classification (germline): Uncertain significance. Review status: criteria provided, multiple submitters, no conflicts (2 of 4 stars). 3 submissions from 3 submitters: Uncertain significance (3). Last evaluated 2025-07-24.

Conditions:
Sulfite oxidase deficiency. Also called: Isolated sulfite oxidase deficiency. Identifiers: Orphanet 833, Orphanet 99731, MedGen C0268624, MONDO:0010089, OMIM 272300, HP:0003643.

Allele frequency attached by ClinVar (database versions not stated): gnomAD exomes below 0.00001 and 0.00006; gnomAD 0.00001; TOPMed 0.00001.
gnomAD v4.1: 85 of 1,613,878 alleles (0.0053%); highest among the groups gnomAD compares: Middle Eastern, 0.016%; no homozygotes.

Submissions (3):

Mayo Clinic Laboratories, Mayo Clinic
Classification: Uncertain significance. Last evaluated: 2025-07-24. Review status: criteria provided, single submitter. Criteria: ACMG Guidelines, 2015. Collection method: clinical testing. Allele origin: germline. Observed: 1 variant allele.
Comment: PP3_moderate

CeGaT Center for Human Genetics Tuebingen
Classification: Uncertain significance. Last evaluated: 2023-08-01. Review status: criteria provided, single submitter. Criteria: CeGaT Center For Human Genetics Tuebingen Variant Classification Criteria Version 2. Collection method: clinical testing. Allele origin: germline. Affected: yes. Observed: 1 variant allele.
Comment: SUOX: PM2

Labcorp Genetics (formerly Invitae), Labcorp
Classification: Uncertain significance for Sulfite oxidase deficiency. Last evaluated: 2022-09-13. Review status: criteria provided, single submitter. Criteria: Invitae Variant Classification Sherloc (09022015). Collection method: clinical testing. Allele origin: germline.
Comment: This sequence change replaces arginine, which is basic and polar, with histidine, which is basic and polar, at codon 182 of the SUOX protein (p.Arg182His). This variant is present in population databases (no rsID available, gnomAD 0.003%). This variant has not been reported in the literature in individuals affected with SUOX-related conditions. ClinVar contains an entry for this variant (Variation ID: 998643). Algorithms developed to predict the effect of missense changes on protein structure and function (SIFT, PolyPhen-2, Align-GVGD) all suggest that this variant is likely to be disruptive. In summary, the available evidence is currently insufficient to determine the role of this variant in disease. Therefore, it has been classified as a Variant of Uncertain Significance.